The following is an entry in ClinVar:

NM_005477.3(HCN4):c.3223_3225del (p.Thr1075del)

Gene: HCN4 (hyperpolarization activated cyclic nucleotide gated potassium channel 4; minus strand). Cytogenetic location: 15q24.1.
Variant type: Deletion.
Coding change: c.3223_3225del on transcript NM_005477.3 (MANE Select); coding-DNA positions 3223 to 3225, 3 bases deleted (ACC; older notation c.3223_3225delACC).
Protein change: p.Thr1075del; deletes threonine 1075.
Molecular consequence: inframe deletion.
Genome position (GRCh38, 1-based): chr15:73,322,868-73,322,870, GGT deleted on the plus strand (ACC on the coding strand, the reverse complement: HCN4 is on the minus strand); deleting any 3 consecutive bases within chr15:73,322,868-73,322,871 gives the same sequence; the c. name uses the placement nearest the transcript's 3' end. VCF-style (leftmost placement, unchanged base first): chr15-73322867-GGGT-G. GRCh37 (hg19) VCF-style: chr15-73615208-GGGT-G.
Other names: short protein forms T1075del.
Identifiers: ClinVar variation 3006239 (VCV003006239.3), dbSNP rs2549068097, ClinGen allele CA2740096730.

ClinVar aggregate classification (germline): Uncertain significance (1 of 4 stars; one submission).

Conditions:
Brugada syndrome 8 (BRGDA8). Identifiers: Orphanet 130, MedGen C2751083, MONDO:0013148, OMIM 613123.

Submission:

Labcorp Genetics (formerly Invitae), Labcorp
Classification: Uncertain significance for Brugada syndrome 8. Last evaluated: 2023-09-06. Review status: criteria provided, single submitter. Criteria: Invitae Variant Classification Sherloc (09022015). Collection method: clinical testing. Allele origin: germline.
Comment: This variant, c.3223_3225del, results in the deletion of 1 amino acid(s) of the HCN4 protein (p.Thr1075del), but otherwise preserves the integrity of the reading frame. This variant is not present in population databases (gnomAD no frequency). This variant has not been reported in the literature in individuals affected with HCN4-related conditions. Experimental studies and prediction algorithms are not available or were not evaluated, and the functional significance of this variant is currently unknown. In summary, the available evidence is currently insufficient to determine the role of this variant in disease. Therefore, it has been classified as a Variant of Uncertain Significance.